The following is an entry in ClinVar:

NM_000493.4(COL10A1):c.539G>A (p.Gly180Glu)

Genes: COL10A1 (collagen type X alpha 1 chain; minus strand), NT5DC1 (5'-nucleotidase domain containing 1; plus strand). Cytogenetic location: 6q22.1.
Variant type: single nucleotide variant.
Coding change: c.539G>A on transcript NM_000493.4 (MANE Select); coding-DNA position 539, G replaced by A.
Protein change: p.Gly180Glu; replaces glycine 180 with glutamic acid.
Molecular consequence: missense variant. On other transcripts: intron variant (1).
Genome position (GRCh38, 1-based): chr6:116,121,577, C>T on the plus strand (G>A on the coding strand, the complement: COL10A1 is on the minus strand). VCF-style: chr6-116121577-C-T. GRCh37 (hg19) VCF-style: chr6-116442740-C-T.
Other names: c.539G>A, p.Gly180Glu (NM_001424106.1, NM_001424107.1); c.529+3632C>T (NM_152729.3); short protein forms G180E.
Identifiers: ClinVar variation 2003108 (VCV002003108.4), dbSNP rs1582814284, ClinGen allele CA365394867.

ClinVar aggregate classification (germline): Uncertain significance (1 of 4 stars; one submission).

gnomAD v4.1: 1 of 1,614,120 alleles (0.000062%); highest among the groups gnomAD compares: Non-Finnish European, 0.000085%; no homozygotes.

Submission:

Labcorp Genetics (formerly Invitae), Labcorp
Classification: Uncertain significance. Last evaluated: 2025-01-27. Review status: criteria provided, single submitter. Criteria: Invitae Variant Classification Sherloc (09022015). Collection method: clinical testing. Allele origin: germline.
Comment: This sequence change replaces glycine, which is neutral and non-polar, with glutamic acid, which is acidic and polar, at codon 180 of the COL10A1 protein (p.Gly180Glu). This variant is not present in population databases (gnomAD no frequency). This variant has not been reported in the literature in individuals affected with COL10A1-related conditions. ClinVar contains an entry for this variant (Variation ID: 2003108). Invitae Evidence Modeling of protein sequence and biophysical properties (such as structural, functional, and spatial information, amino acid conservation, physicochemical variation, residue mobility, and thermodynamic stability) has been performed for this missense variant. However, the output from this modeling did not meet the statistical confidence thresholds required to predict the impact of this variant on COL10A1 protein function. In summary, the available evidence is currently insufficient to determine the role of this variant in disease. Therefore, it has been classified as a Variant of Uncertain Significance.